The following is an entry in ClinVar:

NM_001046.3(SLC12A2):c.1237G>A (p.Gly413Arg)

Gene: SLC12A2 (solute carrier family 12 member 2; plus strand). Cytogenetic location: 5q23.3.
Variant type: single nucleotide variant.
Coding change: c.1237G>A on transcript NM_001046.3 (MANE Select); coding-DNA position 1237, G replaced by A.
Protein change: p.Gly413Arg; replaces glycine 413 with arginine.
Molecular consequence: missense variant. On other transcripts: non-coding transcript variant (1).
Genome position (GRCh38, 1-based): chr5:128,134,213, G>A. VCF-style: chr5-128134213-G-A. GRCh37 (hg19) VCF-style: chr5-127469905-G-A.
Other names: c.1237G>A, p.Gly413Arg (NM_001256461.2); short protein forms G413R.
Identifiers: ClinVar variation 3238654 (VCV003238654.2), dbSNP rs2479356988.
Genomic context (GRCh38, chr5:128,134,213, plus strand): 5'-TCCTTTTTCTAGGAACATTCCATACTTATGATAGATGAAATCAATGATATCCGAATTATT[G>A]GAGCCATTACAGTCGTGATTCTTTTAGGTATCTCAGTAGCTGGAATGGAGTGGGAAGCAA-3'
Protein context (NP_001037.1, residues 403-423): IDEINDIRII[Gly413Arg]AITVVILLGI

ClinVar aggregate classification (germline): Uncertain significance (0 of 4 stars; one submission).

Conditions:
Delpire-McNeill syndrome. Also called: SLC12A2-related autosomal dominant infantile-developmental delay-intellectual disability-sensorineural deafness syndrome. Identifiers: Orphanet 633024, MedGen C5436771, MONDO:0033667, OMIM 619083.

Allele frequency attached by ClinVar (database versions not stated): gnomAD exomes below 0.00001.

Submission:

Diagnostics Centre, Carl Von Ossietzky University Oldenburg
Classification: Uncertain significance for Delpire-McNeill syndrome. Last evaluated: 2023-08-21. Review status: no assertion criteria provided. Collection method: clinical testing. Allele origin: germline. Affected: yes. Observed: 1 variant allele.
Comment: The variant SLC12A2, c.1237G>A p.(Gly413Arg), located in the coding exon 6 of the SLC12A2 gene, results from a guanine to adenine substitution at nucleotide position c.1237. The glycine at protein position 413 is replaced by an arginine. Furthermore, in silico tools a significance deleterious effect in protein structure and function (REVEL= 0.99). This variant is classified as very rare in the overall population (no carriers in gnomAD 4.1.0). In summary, this variant is classified as a variant of unclear significance.